The following is an entry in ClinVar:

NM_000535.7(PMS2):c.423del (p.Ile143fs)

Gene: PMS2 (PMS1 homolog 2, mismatch repair system component; minus strand). Cytogenetic location: 7p22.1.
Variant type: Deletion.
Coding change: c.423del on transcript NM_000535.7 (MANE Select); coding-DNA position 423, one base deleted (G; older notation c.423delG).
Protein change: p.Ile143fs; shifts the reading frame from isoleucine 143.
Molecular consequence: frameshift variant. On other transcripts: 5 prime UTR variant (2), non-coding transcript variant (1).
Genome position (GRCh38, 1-based): chr7:6,002,567, C deleted on the plus strand (G on the coding strand, the reverse complement: PMS2 is on the minus strand); the first of 3 consecutive C bases (chr7:6,002,567-6,002,569); deleting any one gives the same sequence. VCF-style (leftmost placement, unchanged base first): chr7-6002566-TC-T. GRCh37 (hg19) VCF-style: chr7-6042197-TC-T.
Other names: c.16delG, p.Ile8Leufs (NM_001018040.1, NM_001406887.1, NM_001406888.1 and 19 more transcripts); c.18del, p.Ile8fs (NM_001322003.2, NM_001322004.2, NM_001322005.2 and 3 more transcripts); c.423del, p.Ile143fs (NM_001322006.2, NM_001322014.2); c.105del, p.Ile37fs (NM_001322007.2, NM_001322008.2); c.-462del (NM_001322011.2, NM_001322012.2); c.114del, p.Ile40fs (NM_001322015.2); c.607delG, p.Ile205Leufs (NM_001406866.1); c.445delG, p.Ile151Leufs (NM_001406868.1); and 4 more; short protein forms I40fs, I8fs, I37fs, I143fs.
Identifiers: ClinVar variation 1738976 (VCV001738976.2), dbSNP rs2536448295, ClinGen allele CA2580077006.

ClinVar aggregate classification (germline): Pathogenic (1 of 4 stars; one submission).

Conditions:
Hereditary cancer-predisposing syndrome. Also called: Hereditary Cancer Syndrome; Hereditary neoplastic syndrome; Neoplastic Syndromes, Hereditary; Tumor predisposition. Identifiers: Orphanet 140162, MedGen C0027672, MeSH D009386, MONDO:0015356.

Submission:

Ambry Genetics
Classification: Pathogenic for Hereditary cancer-predisposing syndrome. Last evaluated: 2022-04-29. Review status: criteria provided, single submitter. Criteria: Ambry Variant Classification Scheme 2023. Collection method: clinical testing. Allele origin: germline.
Comment: The c.423delG pathogenic mutation, located in coding exon 5 of the PMS2 gene, results from a deletion of one nucleotide at nucleotide position 423, causing a translational frameshift with a predicted alternate stop codon (p.I143Lfs*58). This variant is considered to be rare based on population cohorts in the Genome Aggregation Database (gnomAD). This alteration is expected to result in loss of function by premature protein truncation or nonsense-mediated mRNA decay. As such, this alteration is interpreted as a disease-causing mutation.